The following is an entry in ClinVar:

ClinVar aggregate classification (germline): Likely benign (0 of 4 stars; one submission).

Conditions:
KSR2-related disorder. Also called: KSR2-related condition.

Allele frequency attached by ClinVar (database versions not stated): gnomAD exomes 0.00003; TOPMed 0.00004; ExAC 0.00007.
gnomAD v4.1: 15 of 1,604,894 alleles (0.00093%); highest among the groups gnomAD compares: Admixed American, 0.025%; no homozygotes.

Submission:

PreventionGenetics, part of Exact Sciences
Classification: Likely benign for KSR2-related condition. Last evaluated: 2021-06-18. Review status: no assertion criteria provided. Collection method: clinical testing. Allele origin: germline.
Comment: This variant is classified as likely benign based on ACMG/AMP sequence variant interpretation guidelines (Richards et al. 2015 PMID: 25741868, with internal and published modifications).

NM_173598.6(KSR2):c.2219+3C>A

Gene: KSR2 (kinase suppressor of ras 2; minus strand). Cytogenetic location: 12q24.22.
Variant type: single nucleotide variant.
Coding change: c.2219+3C>A on transcript NM_173598.6 (MANE Select); 3 bases into the intron after coding-DNA position 2219, C replaced by A.
Molecular consequence: intron variant.
Genome position (GRCh38, 1-based): chr12:117,524,849, G>T on the plus strand (C>A on the coding strand, the complement: KSR2 is on the minus strand). VCF-style: chr12-117524849-G-T. GRCh37 (hg19) VCF-style: chr12-117962654-G-T.
Identifiers: ClinVar variation 3045659 (VCV003045659.2), dbSNP rs773051802, ClinGen allele CA6815808.